The following is an entry in ClinVar:

ClinVar aggregate classification (germline): Uncertain significance (1 of 4 stars; one submission).

Conditions:
Chédiak-Higashi syndrome (CHS). Also called: Chediak-Higashi Syndrome. Identifiers: Orphanet 167, MedGen C0007965, MONDO:0008963, OMIM 214500.

Allele frequency attached by ClinVar (database versions not stated): gnomAD 0.00001; gnomAD exomes 0.00001; ExAC 0.00002; TOPMed 0.00002.
gnomAD v4.1: 12 of 1,613,522 alleles (0.00074%); highest among the groups gnomAD compares: African/African-American, 0.0013%; no homozygotes.

Submission:

Labcorp Genetics (formerly Invitae), Labcorp
Classification: Uncertain significance for Chédiak-Higashi syndrome. Last evaluated: 2024-11-05. Review status: criteria provided, single submitter. Criteria: Invitae Variant Classification Sherloc (09022015). Collection method: clinical testing. Allele origin: germline.
Comment: This sequence change replaces arginine, which is basic and polar, with glutamine, which is neutral and polar, at codon 2589 of the LYST protein (p.Arg2589Gln). This variant is present in population databases (rs756511851, gnomAD 0.002%). This variant has not been reported in the literature in individuals affected with LYST-related conditions. ClinVar contains an entry for this variant (Variation ID: 643280). Invitae Evidence Modeling of protein sequence and biophysical properties (such as structural, functional, and spatial information, amino acid conservation, physicochemical variation, residue mobility, and thermodynamic stability) indicates that this missense variant is not expected to disrupt LYST protein function with a negative predictive value of 80%. In summary, the available evidence is currently insufficient to determine the role of this variant in disease. Therefore, it has been classified as a Variant of Uncertain Significance.

NM_000081.4(LYST):c.7766G>A (p.Arg2589Gln)

Gene: LYST (lysosomal trafficking regulator; minus strand). Cytogenetic location: 1q42.3.
Variant type: single nucleotide variant.
Coding change: c.7766G>A on transcript NM_000081.4 (MANE Select); coding-DNA position 7766, G replaced by A.
Protein change: p.Arg2589Gln; replaces arginine 2589 with glutamine.
Molecular consequence: missense variant.
Genome position (GRCh38, 1-based): chr1:235,751,224, C>T on the plus strand (G>A on the coding strand, the complement: LYST is on the minus strand). VCF-style: chr1-235751224-C-T. GRCh37 (hg19) VCF-style: chr1-235914524-C-T.
Other names: c.7766G>A, p.Arg2589Gln (NM_001301365.1); short protein forms R2589Q.
Identifiers: ClinVar variation 643280 (VCV000643280.6), dbSNP rs756511851, ClinGen allele CA1466055.